The following is an entry in ClinVar:

ClinVar aggregate classification (germline): Uncertain significance (1 of 4 stars; one submission).

Submission:

GeneDx
Classification: Uncertain significance. Last evaluated: 2022-02-14. Review status: criteria provided, single submitter. Criteria: GeneDx Variant Classification Process June 2021. Collection method: clinical testing. Allele origin: germline. Affected: yes.
Comment: Not observed at significant frequency in large population cohorts (gnomAD); In silico analysis supports that this missense variant does not alter protein structure/function; Has not been previously published as pathogenic or benign to our knowledge

NM_000439.5(PCSK1):c.280G>A (p.Asp94Asn)

Genes: CAST (calpastatin; plus strand), PCSK1 (proprotein convertase subtilisin/kexin type 1; minus strand), LOC101929710 (uncharacterized LOC101929710; plus strand). Cytogenetic location: 5q15.
Variant type: single nucleotide variant.
Coding change: c.280G>A on transcript NM_000439.5 (MANE Select); coding-DNA position 280, G replaced by A.
Protein change: p.Asp94Asn; replaces aspartic acid 94 with asparagine.
Molecular consequence: missense variant.
Genome position (GRCh38, 1-based): chr5:96,429,218, C>T on the plus strand (G>A on the coding strand, the complement: PCSK1 is on the minus strand). VCF-style: chr5-96429218-C-T. GRCh37 (hg19) VCF-style: chr5-95764922-C-T.
Other names: c.139G>A, p.Asp47Asn (NM_001177875.2); short protein forms D47N, D94N.
Identifiers: ClinVar variation 1700948 (VCV001700948.2), dbSNP rs1761413119, ClinGen allele CA360485078.